The following is an entry in ClinVar:

NM_001231.5(CASQ1):c.109G>A (p.Gly37Arg)

Gene: CASQ1 (calsequestrin 1; plus strand). Cytogenetic location: 1q23.2.
Variant type: single nucleotide variant.
Coding change: c.109G>A on transcript NM_001231.5 (MANE Select); coding-DNA position 109, G replaced by A.
Protein change: p.Gly37Arg; replaces glycine 37 with arginine.
Molecular consequence: missense variant.
Genome position (GRCh38, 1-based): chr1:160,190,860, G>A. VCF-style: chr1-160190860-G-A. GRCh37 (hg19) VCF-style: chr1-160160650-G-A.
Other names: short protein forms G37R.
Identifiers: ClinVar variation 3700754 (VCV003700754.2).

ClinVar aggregate classification (germline): Uncertain significance (1 of 4 stars; one submission).

gnomAD v4.1: 1 of 1,614,208 alleles (0.000062%); highest among the groups gnomAD compares: Non-Finnish European, 0.000085%; no homozygotes.

Submission:

Labcorp Genetics (formerly Invitae), Labcorp
Classification: Uncertain significance. Last evaluated: 2024-05-23. Review status: criteria provided, single submitter. Criteria: Invitae Variant Classification Sherloc (09022015). Collection method: clinical testing. Allele origin: germline.
Comment: This sequence change replaces glycine, which is neutral and non-polar, with arginine, which is basic and polar, at codon 37 of the CASQ1 protein (p.Gly37Arg). This variant is not present in population databases (gnomAD no frequency). This variant has not been reported in the literature in individuals affected with CASQ1-related conditions. An algorithm developed to predict the effect of missense changes on protein structure and function (PolyPhen-2) suggests that this variant is likely to be disruptive. In summary, the available evidence is currently insufficient to determine the role of this variant in disease. Therefore, it has been classified as a Variant of Uncertain Significance.